The following is an entry in ClinVar:

Conditions:
Breast-ovarian cancer, familial, susceptibility to, 1 (BROVCA1). Also called: BRCA1 Hereditary Breast and Ovarian Cancer; OVARIAN CANCER, SUSCEPTIBILITY TO. Identifiers: Orphanet 145, MedGen C2676676, MONDO:0011450, OMIM 604370. Disease mechanism: loss of function.

Submission:

Brotman Baty Institute, University of Washington
No classification provided (evidence only). Condition: Breast-ovarian cancer, familial 1. Review status: no classification provided. Collection method: in vitro. Allele origin: not applicable. Functional consequence: functionally_normal.
ClinVar note: "not provided" was previously submitted as the classification for the variant. However, the classification appeared to be based only on an observation of functional data so it was converted to no classification on 2025-07-30.

NM_007294.4(BRCA1):c.5170A>C (p.Lys1724Gln)

Gene: BRCA1 (BRCA1 DNA repair associated; minus strand). Cytogenetic location: 17q21.31.
Variant type: single nucleotide variant.
Coding change: c.5170A>C on transcript NM_007294.4 (MANE Select); coding-DNA position 5170, A replaced by C.
Protein change: p.Lys1724Gln; replaces lysine 1724 with glutamine.
Molecular consequence: missense variant. On other transcripts: non-coding transcript variant (1).
Genome position (GRCh38, 1-based): chr17:43,063,356, T>G on the plus strand (A>C on the coding strand, the complement: BRCA1 is on the minus strand). VCF-style: chr17-43063356-T-G. GRCh37 (hg19) VCF-style: chr17-41215373-T-G.
Other names: c.5092A>C, p.Lys1698Gln (NM_001407652.1, NM_001407653.1, NM_001407654.1 and 1 more transcripts); c.5089A>C, p.Lys1697Gln (NM_001407656.1, NM_001407657.1, NM_001407658.1); c.5086A>C, p.Lys1696Gln (NM_001407659.1, NM_001407660.1, NM_001407661.1 and 2 more transcripts); c.5044A>C, p.Lys1682Gln (NM_001407670.1, NM_001407671.1, NM_001407672.1 and 10 more transcripts); c.5041A>C, p.Lys1681Gln (NM_001407689.1, NM_001407681.1, NM_001407682.1 and 6 more transcripts); c.5038A>C, p.Lys1680Gln (NM_001407690.1, NM_001407691.1); c.5029A>C, p.Lys1677Gln (NM_001407692.1, NM_001407694.1, NM_001407695.1 and 13 more transcripts); c.5026A>C, p.Lys1676Gln (NM_001407734.1, NM_001407735.1, NM_001407736.1 and 21 more transcripts); and 72 more; short protein forms K1677Q, K1724Q, K620Q, K1745Q, K1428Q, K1595Q, K1611Q, K1613Q.
Identifiers: ClinVar variation 867433 (VCV000867433.3), dbSNP rs2051863875, ClinGen allele CA10591206.